The following is an entry in ClinVar:

NM_001371596.2(MFSD8):c.356_357insA (p.Cys119Ter)

Gene: MFSD8 (major facilitator superfamily domain containing 8; minus strand). Cytogenetic location: 4q28.2.
Variant type: Insertion.
Coding change: c.356_357insA on transcript NM_001371596.2 (MANE Select); coding-DNA positions 356 to 357, A inserted.
Protein change: p.Cys119Ter; replaces cysteine 119 with a stop codon.
Molecular consequence: nonsense.
Genome position: GRCh38 VCF-style: chr4-127943834-G-GT. GRCh37 (hg19) VCF-style: chr4-128864989-G-GT.
Other names: c.356_357insA, p.Cys119Ter (NM_001363520.3, NM_001363521.3, NM_001371591.2 and 5 more transcripts); c.221_222insA, p.Cys74Ter (NM_001371590.2, NM_001371595.1, NM_001410765.1); short protein forms C119*, C74*.
Identifiers: ClinVar variation 2746071 (VCV002746071.3), dbSNP rs2546166179, ClinGen allele CA2697546933.

ClinVar aggregate classification (germline): Pathogenic (1 of 4 stars; one submission).

Conditions:
Neuronal ceroid lipofuscinosis 7 (CLN7). Also called: MFSD8-Related Neuronal Ceroid-Lipofuscinosis. Identifiers: Orphanet 168491, Orphanet 228366, MedGen C1838571, MONDO:0012588, OMIM 610951.

Submission:

Labcorp Genetics (formerly Invitae), Labcorp
Classification: Pathogenic for Neuronal ceroid lipofuscinosis 7. Last evaluated: 2023-05-28. Review status: criteria provided, single submitter. Criteria: Invitae Variant Classification Sherloc (09022015). Collection method: clinical testing. Allele origin: germline.
Comment: For these reasons, this variant has been classified as Pathogenic. This variant has not been reported in the literature in individuals affected with MFSD8-related conditions. This variant is not present in population databases (gnomAD no frequency). This sequence change creates a premature translational stop signal (p.Cys119*) in the MFSD8 gene. It is expected to result in an absent or disrupted protein product. Loss-of-function variants in MFSD8 are known to be pathogenic (PMID: 19177532, 25227500, 28586915).

Literature cited by the submitters: PubMed 19177532; PubMed 25227500; PubMed 28586915.